The following is an entry in ClinVar:

NM_000535.7(PMS2):c.1784_1804del (p.Val595_Ser601del)

Gene: PMS2 (PMS1 homolog 2, mismatch repair system component; minus strand). Cytogenetic location: 7p22.1.
Variant type: Deletion.
Coding change: c.1784_1804del on transcript NM_000535.7 (MANE Select); coding-DNA positions 1784 to 1804, 21 bases deleted (TAAATACTCAGGACATGTCAG).
Protein change: p.Val595_Ser601del.
Molecular consequence: inframe deletion. On other transcripts: non-coding transcript variant (1).
Genome position (GRCh38, 1-based): chr7:5,986,961-5,986,981, CTGACATGTCCTGAGTATTTA deleted on the plus strand (TAAATACTCAGGACATGTCAG on the coding strand, the reverse complement: PMS2 is on the minus strand); deleting any 21 consecutive bases within chr7:5,986,961-5,986,983 gives the same sequence; the c. name uses the placement nearest the transcript's 3' end. VCF-style (leftmost placement, unchanged base first): chr7-5986960-GCTGACATGTCCTGAGTATTTA-G. GRCh37 (hg19) VCF-style: chr7-6026591-GCTGACATGTCCTGAGTATTTA-G.
Other names: c.1379_1399del, p.Val460_Ser466del (NM_001322003.2, NM_001322004.2, NM_001322005.2 and 1 more transcripts); c.1628_1648del, p.Val543_Ser549del (NM_001322006.2); c.1466_1486del, p.Val489_Ser495del (NM_001322007.2, NM_001322008.2); c.1223_1243del, p.Val408_Ser414del (NM_001322010.2); c.851_871del, p.Val284_Ser290del (NM_001322011.2, NM_001322012.2); c.1211_1231del, p.Val404_Ser410del (NM_001322013.2); c.1784_1804del, p.Val595_Ser601del (NM_001322014.2); c.1475_1495del, p.Val492_Ser498del (NM_001322015.2); and 1 more.
Identifiers: ClinVar variation 1371771 (VCV001371771.7), dbSNP rs1782974131, ClinGen allele CA1685226899.
Genomic context (GRCh38, chr7:5,986,960, plus strand): 5'-ATAGAAAAGTCCAGGGGCACAACTTTCTTATTAATTTTCACAGCTACATCAACCTGAGAG[GCTGACATGTCCTGAGTATTTA>G]CTAACTTTTGACAAATGTCAGAACTGGAAAGAATTTCTTCTTTTTTAAAACGCTTTGTGT-3'

ClinVar aggregate classification (germline): Uncertain significance. Review status: criteria provided, multiple submitters, no conflicts (2 of 4 stars). 2 submissions from 2 submitters: Uncertain significance (2). Last evaluated 2026-08-21.

Conditions:
Hereditary nonpolyposis colorectal neoplasms. Identifiers: MedGen C0009405, MeSH D003123.
Hereditary cancer-predisposing syndrome. Also called: Hereditary Cancer Syndrome; Neoplastic Syndromes, Hereditary; Hereditary neoplastic syndrome; Tumor predisposition. Identifiers: Orphanet 140162, MedGen C0027672, MeSH D009386, MONDO:0015356.

Submissions (2):

Ambry Genetics
Classification: Uncertain significance for Hereditary cancer-predisposing syndrome. Last evaluated: 2026-08-21. Review status: criteria provided, single submitter. Criteria: Ambry Variant Classification Scheme 2023. Collection method: clinical testing. Allele origin: germline.
Comment: The c.1784_1804del21 variant (also known as p.V595_S601del) is located in coding exon 11 of the PMS2 gene. This variant results from an in-frame TAAATACTCAGGACATGTCAG deletion at nucleotide positions 1784 to 1804. This results in the in-frame deletion of seven amino acids at codon 595. This amino acid region is not well conserved in available vertebrate species. In addition, this variant is predicted to be deleterious by in silico analysis (Choi Y et al. PLoS ONE. 2012; 7(10):e46688). Based on the available evidence, the clinical significance of this variant remains unclear.

Labcorp Genetics (formerly Invitae), Labcorp
Classification: Uncertain significance for Hereditary nonpolyposis colorectal neoplasms. Last evaluated: 2024-04-15. Review status: criteria provided, single submitter. Criteria: Invitae Variant Classification Sherloc (09022015). Collection method: clinical testing. Allele origin: germline.
Comment: This variant, c.1784_1804del, results in the deletion of 7 amino acid(s) of the PMS2 protein (p.Val595_Ser601del), but otherwise preserves the integrity of the reading frame. This variant is not present in population databases (gnomAD no frequency). This variant has not been reported in the literature in individuals affected with PMS2-related conditions. ClinVar contains an entry for this variant (Variation ID: 1371771). Experimental studies and prediction algorithms are not available or were not evaluated, and the functional significance of this variant is currently unknown. In summary, the available evidence is currently insufficient to determine the role of this variant in disease. Therefore, it has been classified as a Variant of Uncertain Significance.